The following is an entry in ClinVar:

NM_001040108.2(MLH3):c.487G>C (p.Asp163His)

Gene: MLH3 (mutL homolog 3; minus strand). Cytogenetic location: 14q24.3.
Variant type: single nucleotide variant.
Coding change: c.487G>C on transcript NM_001040108.2 (MANE Select); coding-DNA position 487, G replaced by C.
Protein change: p.Asp163His; replaces aspartic acid 163 with histidine.
Molecular consequence: missense variant.
Genome position (GRCh38, 1-based): chr14:75,049,169, C>G on the plus strand (G>C on the coding strand, the complement: MLH3 is on the minus strand). VCF-style: chr14-75049169-C-G. GRCh37 (hg19) VCF-style: chr14-75515872-C-G.
Other names: c.487G>C, p.Asp163His (NM_014381.3); short protein forms D163H.
Identifiers: ClinVar variation 1743779 (VCV001743779.2), dbSNP rs1191433372, ClinGen allele CA390450054.

ClinVar aggregate classification (germline): Uncertain significance (1 of 4 stars; one submission).

Submission:

Ambry Genetics
Classification: Uncertain significance. Last evaluated: 2022-08-30. Review status: criteria provided, single submitter. Criteria: Ambry Variant Classification Scheme 2023. Collection method: clinical testing. Allele origin: germline.
Comment: The p.D163H variant (also known as c.487G>C), located in coding exon 1 of the MLH3 gene, results from a G to C substitution at nucleotide position 487. The aspartic acid at codon 163 is replaced by histidine, an amino acid with similar properties. This amino acid position is conserved. In addition, the in silico prediction for this alteration is inconclusive. Since supporting evidence is limited at this time, the clinical significance of this alteration remains unclear.